The following is an entry in ClinVar:

NM_020778.5(ALPK3):c.2443G>C (p.Gly815Arg)

Gene: ALPK3 (alpha kinase 3; plus strand). Cytogenetic location: 15q25.3.
Variant type: single nucleotide variant.
Coding change: c.2443G>C on transcript NM_020778.5 (MANE Select); coding-DNA position 2443, G replaced by C.
Protein change: p.Gly815Arg; replaces glycine 815 with arginine.
Molecular consequence: missense variant.
Genome position (GRCh38, 1-based): chr15:84,857,181, G>C. VCF-style: chr15-84857181-G-C. GRCh37 (hg19) VCF-style: chr15-85400412-G-C.
Other names: short protein forms G815R.
Identifiers: ClinVar variation 5021551 (VCV005021551.1).

ClinVar aggregate classification (germline): Uncertain significance (1 of 4 stars; one submission).

Conditions:
Cardiovascular phenotype. Identifiers: MedGen CN230736.

Submission:

Ambry Genetics
Classification: Uncertain significance for Cardiovascular phenotype. Last evaluated: 2026-08-31. Review status: criteria provided, single submitter. Criteria: Ambry Variant Classification Scheme 2023. Collection method: clinical testing. Allele origin: germline.
Comment: The p.G1017R variant (also known as c.3049G>C), located in coding exon 6 of the ALPK3 gene, results from a G to C substitution at nucleotide position 3049. The glycine at codon 1017 is replaced by arginine, an amino acid with dissimilar properties. This amino acid position is conserved. In addition, this alteration is predicted to be tolerated by in silico analysis. Based on the available evidence, the clinical significance of this variant remains unclear.